The following is an entry in ClinVar:

ClinVar aggregate classification (germline): Benign/Likely benign. Review status: criteria provided, multiple submitters, no conflicts (2 of 4 stars). 9 submissions from 8 submitters: Benign (2); Likely benign (5). 2 of the submissions do not count toward it. Last evaluated 2025-12-19.

Conditions:
KRIT1-related disorder. Also called: KRIT1-related disorders; KRIT1-related condition.
Cerebral cavernous malformation (CCM). Also called: CAVERNOUS ANGIOMA, FAMILIAL; CAVERNOUS ANGIOMATOUS MALFORMATIONS; CEREBRAL CAPILLARY MALFORMATIONS; Cerebral cavernous hemangioma (type); Cerebral cavernous malformations; Cavernous Hemangioma of Brain. Identifiers: Orphanet 221061, MedGen C2919945, MONDO:0000820, OMIM 116860, HP:0033522.
Angiokeratoma corporis diffusum with arteriovenous fistulas. Identifiers: MedGen C1838141, MONDO:0010885, OMIM 600419.

Allele frequency attached by ClinVar (database versions not stated): gnomAD 0.00088 and 0.00097; TOPMed 0.00089; ESP Exome Variant Server 0.00092; ExAC 0.00101; gnomAD exomes 0.00104 and 0.00138.
gnomAD v4.1: 2,093 of 1,576,640 alleles (0.13%); highest among the groups gnomAD compares: Non-Finnish European, 0.16%; 4 homozygotes.

Submissions (9):

Labcorp Genetics (formerly Invitae), Labcorp
Classification: Likely benign for Cerebral cavernous malformation. Last evaluated: 2025-12-19. Review status: criteria provided, single submitter. Criteria: Invitae Variant Classification Sherloc (09022015). Collection method: clinical testing. Allele origin: germline.

CeGaT Center for Human Genetics Tuebingen
Classification: Likely benign. Last evaluated: 2025-12-01. Review status: criteria provided, single submitter. Criteria: CeGaT Center For Human Genetics Tuebingen Variant Classification Criteria Version 2. Collection method: clinical testing. Allele origin: germline. Affected: yes. Observed: 3 variant alleles.
Comment: KRIT1: BP4, BS1

Mayo Clinic Laboratories, Mayo Clinic
Classification: Likely benign. Last evaluated: 2025-05-14. Review status: criteria provided, single submitter. Criteria: ACMG Guidelines, 2015. Collection method: clinical testing. Allele origin: germline. Observed: 3 variant alleles.
Comment: BS1, BP4

Blueprint Genetics
Classification: Likely benign. Last evaluated: 2024-11-26. Review status: criteria provided, single submitter. Criteria: ACMG Guidelines, 2015. Collection method: clinical testing. Allele origin: germline.

Illumina Laboratory Services, Illumina
Classification: Likely benign for Cerebral cavernous malformation. Last evaluated: 2018-01-12. Review status: criteria provided, single submitter. Criteria: ICSL Variant Classification Criteria 13 December 2019. Collection method: clinical testing. Allele origin: germline.
Comment: This variant was observed in the ICSL laboratory as part of a predisposition screen in an ostensibly healthy population. It had not been previously curated by ICSL or reported in the Human Gene Mutation Database (HGMD: prior to June 1st, 2018), and was therefore a candidate for classification through an automated scoring system. Utilizing variant allele frequency, disease prevalence and penetrance estimates, and inheritance mode, an automated score was calculated to assess if this variant is too frequent to cause the disease. Based on the score and internal cut-off values, a variant classified as likely benign is not then subjected to further curation. The score for this variant resulted in a classification of likely benign for this disease.

Illumina Laboratory Services, Illumina
Classification: Benign for Angiokeratoma corporis diffusum with arteriovenous fistulas. Last evaluated: 2018-01-12. Review status: criteria provided, single submitter. Criteria: ICSL Variant Classification Criteria 13 December 2019. Collection method: clinical testing. Allele origin: germline.
Comment: This variant was observed in the ICSL laboratory as part of a predisposition screen in an ostensibly healthy population. It had not been previously curated by ICSL or reported in the Human Gene Mutation Database (HGMD: prior to June 1st, 2018), and was therefore a candidate for classification through an automated scoring system. Utilizing variant allele frequency, disease prevalence and penetrance estimates, and inheritance mode, an automated score was calculated to assess if this variant is too frequent to cause the disease. Based on the score and internal cut-off values, a variant classified as benign is not then subjected to further curation. The score for this variant resulted in a classification of benign for this disease.

Clinical Genetics DNA and cytogenetics Diagnostics Lab, Erasmus MC, Erasmus Medical Center
Classification: Benign for Cerebral cavernous malformation. Last evaluated: 2015-09-21. Review status: criteria provided, single submitter. Criteria: ACGS Guidelines, 2013. Collection method: clinical testing. Allele origin: germline. Affected: yes. Study: VKGL Data-share Consensus.

PreventionGenetics, part of Exact Sciences
Classification: Likely benign for KRIT1-related condition. Last evaluated: 2023-11-20. Review status: no assertion criteria provided. Collection method: clinical testing. Allele origin: germline. Not counted in ClinVar's aggregate classification.
Comment: This variant is classified as likely benign based on ACMG/AMP sequence variant interpretation guidelines (Richards et al. 2015 PMID: 25741868, with internal and published modifications).

Clinical Genetics, Academic Medical Center
Classification: Likely benign. Review status: no assertion criteria provided. Collection method: clinical testing. Allele origin: germline. Affected: yes. Study: VKGL Data-share Consensus. Not counted in ClinVar's aggregate classification.

NM_194454.3(KRIT1):c.77G>A (p.Arg26Gln)

Gene: KRIT1 (KRIT1 ankyrin repeat containing; minus strand). Cytogenetic location: 7q21.2.
Variant type: single nucleotide variant.
Coding change: c.77G>A on transcript NM_194454.3 (MANE Select); coding-DNA position 77, G replaced by A.
Protein change: p.Arg26Gln; replaces arginine 26 with glutamine.
Molecular consequence: missense variant. On other transcripts: 5 prime UTR variant (1).
Genome position (GRCh38, 1-based): chr7:92,242,059, C>T on the plus strand (G>A on the coding strand, the complement: KRIT1 is on the minus strand). VCF-style: chr7-92242059-C-T. GRCh37 (hg19) VCF-style: chr7-91871373-C-T.
Other names: p.Arg26Gln; c.77G>A, p.Arg26Gln (NM_001013406.2, NM_001350669.1, NM_001350670.1 and 29 more transcripts); c.-507G>A (NM_001350671.1); short protein forms R26Q.
Identifiers: ClinVar variation 360890 (VCV000360890.36), dbSNP rs34358665, ClinGen allele CA4339488.